The following is an entry in ClinVar:

ClinVar aggregate classification (germline): Uncertain significance. Review status: criteria provided, multiple submitters, no conflicts (2 of 4 stars). 2 submissions from 2 submitters: Uncertain significance (2). Last evaluated 2025-08-27.

Conditions:
Inborn genetic diseases. Identifiers: MedGen C0950123, MeSH D030342.
Beta-D-mannosidosis (MANSB). Also called: Beta-Mannosidosis; MANNOSIDOSIS, BETA A, LYSOSOMAL; BETA-MANNOSIDASE DEFICIENCY; LYSOSOMAL BETA-MANNOSIDASE DEFICIENCY. Identifiers: Orphanet 118, MedGen C4048196, MONDO:0009562, OMIM 248510.

gnomAD v4.1: 34 of 1,554,838 alleles (0.0022%); highest among the groups gnomAD compares: African/African-American, 0.034%; no homozygotes.

Submissions (2):

Ambry Genetics
Classification: Uncertain significance for Inborn genetic diseases. Last evaluated: 2025-08-27. Review status: criteria provided, single submitter. Criteria: Ambry Variant Classification Scheme 2023. Collection method: clinical testing. Allele origin: germline.

Labcorp Genetics (formerly Invitae), Labcorp
Classification: Uncertain significance for Beta-D-mannosidosis. Last evaluated: 2022-07-20. Review status: criteria provided, single submitter. Criteria: Invitae Variant Classification Sherloc (09022015). Collection method: clinical testing. Allele origin: germline.
Comment: This sequence change replaces glycine, which is neutral and non-polar, with serine, which is neutral and polar, at codon 36 of the MANBA protein (p.Gly36Ser). The frequency data for this variant in the population databases is considered unreliable, as metrics indicate poor data quality at this position in the gnomAD database. This variant has not been reported in the literature in individuals affected with MANBA-related conditions. Algorithms developed to predict the effect of missense changes on protein structure and function (SIFT, PolyPhen-2, Align-GVGD) all suggest that this variant is likely to be tolerated. In summary, the available evidence is currently insufficient to determine the role of this variant in disease. Therefore, it has been classified as a Variant of Uncertain Significance.

NM_005908.4(MANBA):c.106G>A (p.Gly36Ser)

Genes: MANBA (mannosidase beta; minus strand), LOC129992886 (ATAC-STARR-seq lymphoblastoid active region 21757; plus strand). Cytogenetic location: 4q24.
Variant type: single nucleotide variant.
Coding change: c.106G>A on transcript NM_005908.4 (MANE Select); coding-DNA position 106, G replaced by A.
Protein change: p.Gly36Ser; replaces glycine 36 with serine.
Molecular consequence: missense variant.
Genome position (GRCh38, 1-based): chr4:102,760,789, C>T on the plus strand (G>A on the coding strand, the complement: MANBA is on the minus strand). VCF-style: chr4-102760789-C-T. GRCh37 (hg19) VCF-style: chr4-103681946-C-T.
Other names: c.106G>A (NM_005908.3); short protein forms G36S.
Identifiers: ClinVar variation 2202848 (VCV002202848.2), dbSNP rs762853410, ClinGen allele CA3027338.